The following is an entry in ClinVar:

ClinVar aggregate classification (germline): Conflicting classifications of pathogenicity. Review status: criteria provided, conflicting classifications (1 of 4 stars). 2 submissions from 2 submitters: Uncertain significance (1); Likely benign (1). Last evaluated 2026-06-02.

Conditions:
Ataxia-telangiectasia syndrome (AT). Also called: LOUIS-BAR SYNDROME; Cerebello-oculocutaneous telangiectasia; Immunodeficiency with ataxia telangiectasia; Ataxia telangiectasia (A-T); ATAXIA-TELANGIECTASIA, COMPLEMENTATION GROUP A; ATAXIA-TELANGIECTASIA, FRESNO VARIANT. Identifiers: Orphanet 100, MedGen C0004135, MONDO:0008840, OMIM 208900.
Hereditary cancer-predisposing syndrome. Also called: Neoplastic Syndromes, Hereditary; Tumor predisposition; Hereditary Cancer Syndrome; Hereditary neoplastic syndrome. Identifiers: Orphanet 140162, MedGen C0027672, MeSH D009386, MONDO:0015356.

gnomAD v4.1: 5 of 1,613,998 alleles (0.00031%); highest among the groups gnomAD compares: Non-Finnish European, 0.00042%; no homozygotes.

Submissions (2):

Ambry Genetics
Classification: Likely benign for Hereditary cancer-predisposing syndrome. Last evaluated: 2026-06-02. Review status: criteria provided, single submitter. Criteria: Ambry Variant Classification Scheme 2023. Collection method: clinical testing. Allele origin: germline.

Labcorp Genetics (formerly Invitae), Labcorp
Classification: Uncertain significance for Ataxia-telangiectasia syndrome. Last evaluated: 2026-01-11. Review status: criteria provided, single submitter. Criteria: Invitae Variant Classification Sherloc (09022015). Collection method: clinical testing. Allele origin: germline.
Comment: This sequence change replaces lysine, which is basic and polar, with glutamic acid, which is acidic and polar, at codon 1280 of the ATM protein (p.Lys1280Glu). This variant is not present in population databases (gnomAD no frequency). This variant has not been reported in the literature in individuals affected with ATM-related conditions. Invitae Evidence Modeling of protein sequence and biophysical properties (such as structural, functional, and spatial information, amino acid conservation, physicochemical variation, residue mobility, and thermodynamic stability) indicates that this missense variant is not expected to disrupt ATM protein function with a negative predictive value of 95%. In summary, the available evidence is currently insufficient to determine the role of this variant in disease. Therefore, it has been classified as a Variant of Uncertain Significance.

Literature cited by the submitters: PubMed 40580951 (cited by Ambry Genetics).

NM_000051.4(ATM):c.3838A>G (p.Lys1280Glu)

Gene: ATM (ATM serine/threonine kinase; plus strand). Cytogenetic location: 11q22.3.
Variant type: single nucleotide variant.
Coding change: c.3838A>G on transcript NM_000051.4 (MANE Select); coding-DNA position 3838, A replaced by G.
Protein change: p.Lys1280Glu; replaces lysine 1280 with glutamic acid.
Molecular consequence: missense variant.
Genome position (GRCh38, 1-based): chr11:108,284,318, A>G. VCF-style: chr11-108284318-A-G. GRCh37 (hg19) VCF-style: chr11-108155045-A-G.
Other names: c.3838A>G, p.Lys1280Glu (NM_001351834.2); short protein forms K1280E.
Identifiers: ClinVar variation 4706130 (VCV004706130.2).
Genomic context (GRCh38, chr11:108,284,318, plus strand): 5'-GTGATTAGAAGTCATTTTGATGAGGTGAAGTCCATTGCTAATCAGATTCAAGAGGACTGG[A>G]AAAGTCTTCTAACAGACTGCTTTCCAAAGATTCTTGTAAATATTCTTCCTTATTTTGCCT-3'
Protein context (NP_000042.3, residues 1270-1290): SIANQIQEDW[Lys1280Glu]SLLTDCFPKI